The following is an entry in ClinVar:

NM_001130987.2(DYSF):c.4268T>A (p.Val1423Asp)

Gene: DYSF (dysferlin; plus strand). Cytogenetic location: 2p13.2.
Variant type: single nucleotide variant.
Coding change: c.4268T>A on transcript NM_001130987.2 (MANE Select); coding-DNA position 4268, T replaced by A.
Protein change: p.Val1423Asp; replaces valine 1423 with aspartic acid.
Molecular consequence: missense variant.
Genome position (GRCh38, 1-based): chr2:71,612,687, T>A. VCF-style: chr2-71612687-T-A. GRCh37 (hg19) VCF-style: chr2-71839817-T-A.
Other names: c.4217T>A, p.Val1406Asp (NM_001130455.2, NM_001130983.2); c.4172T>A, p.Val1391Asp (NM_001130976.2, NM_001130977.2); c.4214T>A, p.Val1405Asp (NM_001130978.2, NM_003494.4); c.4307T>A, p.Val1436Asp (NM_001130979.2); c.4265T>A, p.Val1422Asp (NM_001130980.2, NM_001130981.2); c.4310T>A, p.Val1437Asp (NM_001130982.2); c.4175T>A, p.Val1392Asp (NM_001130984.2, NM_001130986.2); c.4268T>A, p.Val1423Asp (NM_001130985.2); short protein forms V1391D, V1392D, V1405D, V1406D, V1422D, V1423D, V1436D, V1437D.
Identifiers: ClinVar variation 3896871 (VCV003896871.1).

ClinVar aggregate classification (germline): Uncertain significance. Review status: criteria provided, single submitter (1 of 4 stars). 2 submissions from 1 submitter: Uncertain significance (2). Last evaluated 2024-08-20.

Conditions:
Miyoshi muscular dystrophy 1 (MMD1). Identifiers: Orphanet 45448, MedGen C4551973, MONDO:0024545, OMIM 254130.
Autosomal recessive limb-girdle muscular dystrophy type 2B (LGMDR2). Also called: MUSCULAR DYSTROPHY, LIMB-GIRDLE, AUTOSOMAL RECESSIVE 2; MUSCULAR DYSTROPHY, LIMB-GIRDLE, TYPE 3; Limb-girdle muscular dystrophy, type 2B; Limb-Girdle Muscular Dystrophy Type 2B (LGMD2B). Identifiers: Orphanet 268, MedGen C1850889, MONDO:0009676, OMIM 253601.

Submissions (2):

Kariminejad - Najmabadi Pathology & Genetics Center
Classification: Uncertain significance for Miyoshi muscular dystrophy 1; Autosomal recessive limb-girdle muscular dystrophy type 2B. Last evaluated: 2024-08-20. Review status: criteria provided, single submitter. Criteria: ACMG Guidelines, 2015. Collection method: clinical testing. Allele origin: germline. Inheritance: Autosomal recessive inheritance. Affected: yes.
Comment: PM2-PP3- MODERATE

Kariminejad - Najmabadi Pathology & Genetics Center
Classification: Uncertain significance for Autosomal recessive limb-girdle muscular dystrophy type 2B. Last evaluated: 2023-04-07. Review status: criteria provided, single submitter. Criteria: ACMG Guidelines, 2015. Collection method: clinical testing. Allele origin: germline. Inheritance: Autosomal recessive inheritance. Affected: yes.
Comment: PP3,PM2